The following is an entry in ClinVar:

ClinVar aggregate classification (germline): Uncertain significance. Review status: criteria provided, multiple submitters, no conflicts (2 of 4 stars). 2 submissions from 2 submitters: Uncertain significance (2). Last evaluated 2024-12-25.

Conditions:
Inborn genetic diseases. Identifiers: MedGen C0950123, MeSH D030342.

Allele frequency attached by ClinVar (database versions not stated): TOPMed below 0.00001; gnomAD exomes 0.00001; ExAC 0.00002; ESP Exome Variant Server 0.00015.
gnomAD v4.1: 4 of 1,613,796 alleles (0.00025%); highest among the groups gnomAD compares: Non-Finnish European, 0.00034%; no homozygotes.

Submissions (2):

Ambry Genetics
Classification: Uncertain significance for Inborn genetic diseases. Last evaluated: 2024-12-25. Review status: criteria provided, single submitter. Criteria: Ambry Variant Classification Scheme 2023. Collection method: clinical testing. Allele origin: germline.

Labcorp Genetics (formerly Invitae), Labcorp
Classification: Uncertain significance. Last evaluated: 2023-12-22. Review status: criteria provided, single submitter. Criteria: Invitae Variant Classification Sherloc (09022015). Collection method: clinical testing. Allele origin: germline.
Comment: This sequence change replaces proline, which is neutral and non-polar, with serine, which is neutral and polar, at codon 622 of the TUBGCP6 protein (p.Pro622Ser). This variant is present in population databases (rs367866211, gnomAD 0.004%). This variant has not been reported in the literature in individuals affected with TUBGCP6-related conditions. ClinVar contains an entry for this variant (Variation ID: 1952856). An algorithm developed to predict the effect of missense changes on protein structure and function (PolyPhen-2) suggests that this variant is likely to be disruptive. In summary, the available evidence is currently insufficient to determine the role of this variant in disease. Therefore, it has been classified as a Variant of Uncertain Significance.

NM_020461.4(TUBGCP6):c.1864C>T (p.Pro622Ser)

Gene: TUBGCP6 (tubulin gamma complex component 6; minus strand). Cytogenetic location: 22q13.33.
Variant type: single nucleotide variant.
Coding change: c.1864C>T on transcript NM_020461.4 (MANE Select); coding-DNA position 1864, C replaced by T.
Protein change: p.Pro622Ser; replaces proline 622 with serine.
Molecular consequence: missense variant.
Genome position (GRCh38, 1-based): chr22:50,225,913, G>A on the plus strand (C>T on the coding strand, the complement: TUBGCP6 is on the minus strand). VCF-style: chr22-50225913-G-A. GRCh37 (hg19) VCF-style: chr22-50664342-G-A.
Other names: c.1864C>T (NM_020461.3); short protein forms P622S.
Identifiers: ClinVar variation 1952856 (VCV001952856.6), dbSNP rs367866211, ClinGen allele CA10308473.
Genomic context (GRCh38, chr22:50,225,913, plus strand): 5'-CGGCACAGTCCTTCTCAATCTCCTTCAACTCCTCAAGGGAGAAAATCACCGAGATCCGGG[G>A]GACAGGGACGTCGGACCAACAGAGGTAATGCTGCCAAAGGGGATGCAAGCACAGCCACCA-3'
Protein context (NP_065194.3, residues 612-632): HYLCWSDVPV[Pro622Ser]RISVIFSLEE